The following is an entry in ClinVar:

NM_001849.4(COL6A2):c.1846G>T (p.Val616Leu)

Gene: COL6A2 (collagen type VI alpha 2 chain; plus strand). Cytogenetic location: 21q22.3.
Variant type: single nucleotide variant.
Coding change: c.1846G>T on transcript NM_001849.4 (MANE Select); coding-DNA position 1846, G replaced by T.
Protein change: p.Val616Leu; replaces valine 616 with leucine.
Molecular consequence: missense variant.
Genome position (GRCh38, 1-based): chr21:46,125,494, G>T. VCF-style: chr21-46125494-G-T. GRCh37 (hg19) VCF-style: chr21-47545408-G-T.
Other names: c.1846G>T, p.Val616Leu (NM_058174.3, NM_058175.3); short protein forms V616L.
Identifiers: ClinVar variation 1471032 (VCV001471032.8), dbSNP rs746193653, ClinGen allele CA10072309.

ClinVar aggregate classification (germline): Uncertain significance (1 of 4 stars; one submission).

Conditions:
Bethlem myopathy 1A. Also called: Bethlem myopathy 1; Bethlem Muscular Dystrophy; MYOPATHY, BENIGN CONGENITAL, WITH CONTRACTURES. Identifiers: Orphanet 610, MedGen CN029274, MONDO:0024530, OMIM 158810.

Allele frequency attached by ClinVar (database versions not stated): ExAC 0.00001.
gnomAD v4.1: 1 of 1,612,990 alleles (0.000062%); highest among the groups gnomAD compares: South Asian, 0.0011%; no homozygotes.

Submission:

Labcorp Genetics (formerly Invitae), Labcorp
Classification: Uncertain significance for Bethlem myopathy 1A. Last evaluated: 2021-04-22. Review status: criteria provided, single submitter. Criteria: Invitae Variant Classification Sherloc (09022015). Collection method: clinical testing. Allele origin: germline.
Comment: Advanced modeling of protein sequence and biophysical properties (such as structural, functional, and spatial information, amino acid conservation, physicochemical variation, residue mobility, and thermodynamic stability) performed at Invitae indicates that this missense variant is not expected to disrupt COL6A2 protein function. In summary, the available evidence is currently insufficient to determine the role of this variant in disease. Therefore, it has been classified as a Variant of Uncertain Significance. This variant has not been reported in the literature in individuals with COL6A2-related conditions. This variant is present in population databases (rs746193653, ExAC 0.006%). This sequence change replaces valine with leucine at codon 616 of the COL6A2 protein (p.Val616Leu). The valine residue is weakly conserved and there is a small physicochemical difference between valine and leucine.